The following is an entry in ClinVar:

ClinVar aggregate classification (germline): Uncertain significance (1 of 4 stars; one submission).

Conditions:
Charcot-Marie-Tooth disease axonal type 2C (HMSN2C). Also called: Charcot-Marie-Tooth Disease Type 2, TRPV4-Related (CMT2C); CHARCOT-MARIE-TOOTH DISEASE, AXONAL, AUTOSOMAL DOMINANT, TYPE 2C; Charcot-Marie-Tooth Neuropathy Type 2C. Identifiers: Orphanet 99937, MedGen C1853710, MONDO:0011633, OMIM 606071.

Submission:

Labcorp Genetics (formerly Invitae), Labcorp
Classification: Uncertain significance for Charcot-Marie-Tooth disease axonal type 2C. Last evaluated: 2021-03-31. Review status: criteria provided, single submitter. Criteria: Invitae Variant Classification Sherloc (09022015). Collection method: clinical testing. Allele origin: germline.
Comment: In summary, the available evidence is currently insufficient to determine the role of this variant in disease. Therefore, it has been classified as a Variant of Uncertain Significance. Advanced modeling of protein sequence and biophysical properties (such as structural, functional, and spatial information, amino acid conservation, physicochemical variation, residue mobility, and thermodynamic stability) performed at Invitae indicates that this missense variant is expected to disrupt TRPV4 protein function. This variant has not been reported in the literature in individuals with TRPV4-related conditions. This variant is not present in population databases (ExAC no frequency). This sequence change replaces aspartic acid with tyrosine at codon 333 of the TRPV4 protein (p.Asp333Tyr). The aspartic acid residue is moderately conserved and there is a large physicochemical difference between aspartic acid and tyrosine.

NM_021625.5(TRPV4):c.997G>T (p.Asp333Tyr)

Gene: TRPV4 (transient receptor potential cation channel subfamily V member 4; minus strand). Cytogenetic location: 12q24.11.
Variant type: single nucleotide variant.
Coding change: c.997G>T on transcript NM_021625.5 (MANE Select); coding-DNA position 997, G replaced by T.
Protein change: p.Asp333Tyr; replaces aspartic acid 333 with tyrosine.
Molecular consequence: missense variant.
Genome position (GRCh38, 1-based): chr12:109,798,769, C>A on the plus strand (G>T on the coding strand, the complement: TRPV4 is on the minus strand). VCF-style: chr12-109798769-C-A. GRCh37 (hg19) VCF-style: chr12-110236574-C-A.
Other names: c.856G>T, p.Asp286Tyr (NM_001177428.2, NM_001177433.2); c.895G>T, p.Asp299Tyr (NM_001177431.2); c.997G>T, p.Asp333Tyr (NM_147204.3); short protein forms D333Y, D299Y, D286Y.
Identifiers: ClinVar variation 1518970 (VCV001518970.8), dbSNP rs2136519490, ClinGen allele CA386654619.